The following is an entry in ClinVar:

GRCh38/hg38 16p11.2(chr16:29641167-30186830)x1

Genes: ZG16 (zymogen granule protein 16; plus strand), KCTD13 (potassium channel tetramerization domain containing 13; minus strand), KCTD13-DT (KCTD13 divergent transcript; plus strand), KIF22 (kinesin family member 22; plus strand), ALDOA (aldolase, fructose-bisphosphate A; plus strand) and 98 more. Cytogenetic location: 16p11.2.
Variant type: copy number loss.
Change: copy number 1 (one copy instead of two) of chr16:29,641,167-30,186,830 (545.7 kb, GRCh38 coordinates, 1-based), cytogenetic band 16p11.2.
Identifiers: ClinVar variation 4974695 (VCV004974695.1).

ClinVar aggregate classification (germline): Pathogenic (1 of 4 stars; one submission).

Submission:

Clinical Genomics Laboratory, Laboratory for Precision Diagnostics, University of Washington
Classification: Pathogenic. Last evaluated: 2024-07-31. Review status: criteria provided, single submitter. Criteria: ACMG/ClinGen CNV Guidelines, 2019. Collection method: clinical testing. Allele origin: unknown. Affected: yes. Observed: 1 variant allele.
Comment: This interstitial deletion is approximately 546 kb and contains 27 protein-coding genes including PRRT2 (OMIM 614386). This recurrent microdeletion causes 16p11.2 microdeletion syndrome, which is characterized by delayed motor and language development, variable learning and intellectual disabilities, psychiatric and behavioral disorders and/or autism spectrum disorder, and a large head circumference. Seizures occur in about 20% of people with this deletion, probably due to deletion of PRRT2. Obesity starting in adolescence is also seen with increased frequency amongst people with the 16p11.2 microdeletion. The incidence of congenital anomalies appears to be slightly higher than in the general population, with vertebral differences being the most frequent. See PMID: 25064419, PMID: 27410714, PMID:30836598, and NBK:11167.

Literature cited by the submitters: PubMed 25064419; PubMed 30836598; PubMed 27410714.